The following is an entry in ClinVar:

ClinVar aggregate classification (germline): Pathogenic/Likely pathogenic. Review status: criteria provided, multiple submitters, no conflicts (2 of 4 stars). 2 submissions from 2 submitters: Pathogenic (1); Likely pathogenic (1). Last evaluated 2024-10-15.

Conditions:
Spastic paraplegia. Identifiers: MedGen C0037772, HP:0001258.

Submissions (2):

Labcorp Genetics (formerly Invitae), Labcorp
Classification: Pathogenic for Spastic paraplegia. Last evaluated: 2024-10-15. Review status: criteria provided, single submitter. Criteria: Invitae Variant Classification Sherloc (09022015). Collection method: clinical testing. Allele origin: germline.
Comment: This sequence change creates a premature translational stop signal (p.Arg47Alafs*25) in the B4GALNT1 gene. It is expected to result in an absent or disrupted protein product. Loss-of-function variants in B4GALNT1 are known to be pathogenic (PMID: 23746551). This variant is not present in population databases (gnomAD no frequency). This variant has not been reported in the literature in individuals affected with B4GALNT1-related conditions. ClinVar contains an entry for this variant (Variation ID: 452324). For these reasons, this variant has been classified as Pathogenic.

GeneDx
Classification: Likely pathogenic. Last evaluated: 2023-07-09. Review status: criteria provided, single submitter. Criteria: GeneDx Variant Classification Process June 2021. Collection method: clinical testing. Allele origin: germline. Affected: yes.
Comment: Frameshift variant predicted to result in protein truncation or nonsense mediated decay in a gene for which loss of function is a known mechanism of disease; Not observed at significant frequency in large population cohorts (gnomAD); Has not been previously published as pathogenic or benign to our knowledge

Literature cited by the submitters: PubMed 23746551 (cited by Labcorp Genetics (formerly Invitae), Labcorp).

NM_001478.5(B4GALNT1):c.139del (p.Arg47fs)

Gene: B4GALNT1 (beta-1,4-N-acetyl-galactosaminyltransferase 1; minus strand). Cytogenetic location: 12q13.3.
Variant type: Deletion.
Coding change: c.139del on transcript NM_001478.5 (MANE Select); coding-DNA position 139, one base deleted (C; older notation c.139delC).
Protein change: p.Arg47fs; shifts the reading frame from arginine 47.
Molecular consequence: frameshift variant.
Genome position (GRCh38, 1-based): chr12:57,631,994, G deleted on the plus strand (C on the coding strand, the reverse complement: B4GALNT1 is on the minus strand); the first of 5 consecutive G bases (chr12:57,631,994-57,631,998); deleting any one gives the same sequence. VCF-style (leftmost placement, unchanged base first): chr12-57631993-CG-C. GRCh37 (hg19) VCF-style: chr12-58025776-CG-C.
Other names: c.139delC (NM_001478.4); c.139del (NM_001478.4); c.139del, p.Arg47fs (NM_001276468.2, NM_001276469.2); short protein forms R47fs.
Identifiers: ClinVar variation 452324 (VCV000452324.7), dbSNP rs1555186937, ClinGen allele CA658658166.